The following is an entry in ClinVar:

ClinVar aggregate classification (germline): Pathogenic (1 of 4 stars; one submission).

Allele frequency attached by ClinVar (database versions not stated): gnomAD exomes below 0.00001.
gnomAD v4.1: 2 of 1,574,928 alleles (0.00013%); highest among the groups gnomAD compares: African/African-American, 0.0013%; no homozygotes.

Submission:

Labcorp Genetics (formerly Invitae), Labcorp
Classification: Pathogenic. Last evaluated: 2023-03-02. Review status: criteria provided, single submitter. Criteria: Invitae Variant Classification Sherloc (09022015). Collection method: clinical testing. Allele origin: germline.
Comment: This sequence change creates a premature translational stop signal (p.Gln1938*) in the PCNT gene. It is expected to result in an absent or disrupted protein product. Loss-of-function variants in PCNT are known to be pathogenic (PMID: 18174396, 22821869). This variant is not present in population databases (gnomAD no frequency). This premature translational stop signal has been observed in individual(s) with microcephalic osteodysplastic primordial dwarfism (PMID: 34092239). This variant is also known as p.Gln1928Ter. For these reasons, this variant has been classified as Pathogenic.

Literature cited by the submitters: PubMed 18174396; PubMed 22821869; PubMed 34092239.

NM_006031.6(PCNT):c.5812C>T (p.Gln1938Ter)

Gene: PCNT (pericentrin; plus strand). Cytogenetic location: 21q22.3.
Variant type: single nucleotide variant.
Coding change: c.5812C>T on transcript NM_006031.6 (MANE Select); coding-DNA position 5812, C replaced by T.
Protein change: p.Gln1938Ter; replaces glutamine 1938 with a stop codon.
Molecular consequence: nonsense.
Genome position (GRCh38, 1-based): chr21:46,411,885, C>T. VCF-style: chr21-46411885-C-T. GRCh37 (hg19) VCF-style: chr21-47831799-C-T.
Other names: c.5458C>T, p.Gln1820Ter (NM_001315529.2); short protein forms Q1820*, Q1938*.
Identifiers: ClinVar variation 2780450 (VCV002780450.3), dbSNP rs1458254313, ClinGen allele CA410557000.